The following is an entry in ClinVar:

NM_000051.4(ATM):c.7090-12G>C

Genes: ATM (ATM serine/threonine kinase; plus strand), C11orf65 (chromosome 11 open reading frame 65; minus strand). Cytogenetic location: 11q22.3.
Variant type: single nucleotide variant.
Coding change: c.7090-12G>C on transcript NM_000051.4 (MANE Select); 12 bases into the intron before coding-DNA position 7090, G replaced by C.
Molecular consequence: intron variant.
Genome position (GRCh38, 1-based): chr11:108,329,009, G>C. VCF-style: chr11-108329009-G-C. GRCh37 (hg19) VCF-style: chr11-108199736-G-C.
Other names: c.7090-12G>C (NM_001351834.2); c.641-19938C>G (NM_001330368.2); c.*38+6211C>G (NM_001351110.2).
Identifiers: ClinVar variation 2729334 (VCV002729334.4), dbSNP rs2547246283, ClinGen allele CA2615860558.

ClinVar aggregate classification (germline): Likely benign. Review status: criteria provided, multiple submitters, no conflicts (2 of 4 stars). 2 submissions from 2 submitters: Likely benign (2). Last evaluated 2024-06-13.

Conditions:
Familial cancer of breast. Also called: BREAST CANCER, FAMILIAL; Hereditary breast cancer; hereditary breast carcinoma. Identifiers: Orphanet 227535, MedGen C0346153, MONDO:0016419, OMIM 114480. Disease mechanism: loss of function.
Ataxia-telangiectasia syndrome (AT). Also called: LOUIS-BAR SYNDROME; Cerebello-oculocutaneous telangiectasia; Immunodeficiency with ataxia telangiectasia; Ataxia telangiectasia (A-T); Ataxia-telangiectasia, complementation group D; AT, COMPLEMENTATION GROUP C. Identifiers: Orphanet 100, MedGen C0004135, MONDO:0008840, OMIM 208900.

gnomAD v4.1: 1 of 1,609,494 alleles (0.000062%); highest among the groups gnomAD compares: Non-Finnish European, 0.000085%; no homozygotes.

Submissions (2):

Myriad Genetics, Inc.
Classification: Likely benign for Familial cancer of breast. Last evaluated: 2024-06-13. Review status: criteria provided, single submitter. Criteria: Myriad Autosomal Dominant, Autosomal Recessive and X-Linked Classification Criteria (2023). Collection method: clinical testing. Allele origin: unknown.
Comment: This variant is considered likely benign. This variant is intronic and is not expected to impact mRNA splicing.

Labcorp Genetics (formerly Invitae), Labcorp
Classification: Likely benign for Ataxia-telangiectasia syndrome. Last evaluated: 2023-08-17. Review status: criteria provided, single submitter. Criteria: Invitae Variant Classification Sherloc (09022015). Collection method: clinical testing. Allele origin: germline.